The following is an entry in ClinVar:

NM_018192.4(P3H2):c.784T>A (p.Tyr262Asn)

Gene: P3H2 (prolyl 3-hydroxylase 2; minus strand). Cytogenetic location: 3q28.
Variant type: single nucleotide variant.
Coding change: c.784T>A on transcript NM_018192.4 (MANE Select); coding-DNA position 784, T replaced by A.
Protein change: p.Tyr262Asn; replaces tyrosine 262 with asparagine.
Molecular consequence: missense variant.
Genome position (GRCh38, 1-based): chr3:189,994,133, A>T on the plus strand (T>A on the coding strand, the complement: P3H2 is on the minus strand). VCF-style: chr3-189994133-A-T. GRCh37 (hg19) VCF-style: chr3-189711922-A-T.
Other names: c.241T>A, p.Tyr81Asn (NM_001134418.2); short protein forms Y81N, Y262N.
Identifiers: ClinVar variation 842169 (VCV000842169.7), dbSNP rs183732333, ClinGen allele CA2753222.

ClinVar aggregate classification (germline): Uncertain significance. Review status: criteria provided, multiple submitters, no conflicts (2 of 4 stars). 3 submissions from 3 submitters: Uncertain significance (3). Last evaluated 2025-08-29.

Conditions:
P3H2-related disorder. Also called: P3H2-related condition.

Allele frequency attached by ClinVar (database versions not stated): gnomAD exomes 0.00002; ExAC 0.00003; gnomAD 0.00024 and 0.00025; 1000 Genomes Project 0.00060; TOPMed 0.00065; 1000 Genomes Project 30x 0.00078.
gnomAD v4.1: 57 of 1,613,594 alleles (0.0035%); highest among the groups gnomAD compares: Admixed American, 0.082%; 1 homozygote.

Submissions (3):

PreventionGenetics, part of Exact Sciences
Classification: Uncertain significance for P3H2-related condition. Last evaluated: 2025-08-29. Review status: criteria provided, single submitter. Criteria: ACMG Guidelines, 2015. Collection method: clinical testing. Allele origin: germline.
Comment: The P3H2 c.784T>A variant is predicted to result in the amino acid substitution p.Tyr262Asn. This variant has been reported with uncertain significance in a large cohort study of retinal disease (Table S12, Diñeiro et al. 2020. PubMed ID: 32483926). This variant is present in 0.014% of alleles in individuals of Latino descent in gnomAD, and variant phasing information indicates that this variant is likely on the same allele (i.e. in cis) as c.779A>T (p.Tyr260Phe). At this time, the clinical significance of this variant is uncertain due to the absence of conclusive functional and genetic evidence.

Labcorp Genetics (formerly Invitae), Labcorp
Classification: Uncertain significance. Last evaluated: 2024-11-05. Review status: criteria provided, single submitter. Criteria: Invitae Variant Classification Sherloc (09022015). Collection method: clinical testing. Allele origin: germline.
Comment: This sequence change replaces tyrosine, which is neutral and polar, with asparagine, which is neutral and polar, at codon 262 of the P3H2 protein (p.Tyr262Asn). This variant is present in population databases (rs183732333, gnomAD 0.01%). This missense change has been observed in individual(s) with inherited retinal dystrophy (PMID: 32483926). ClinVar contains an entry for this variant (Variation ID: 842169). Invitae Evidence Modeling of protein sequence and biophysical properties (such as structural, functional, and spatial information, amino acid conservation, physicochemical variation, residue mobility, and thermodynamic stability) has been performed for this missense variant. However, the output from this modeling did not meet the statistical confidence thresholds required to predict the impact of this variant on P3H2 protein function. In summary, the available evidence is currently insufficient to determine the role of this variant in disease. Therefore, it has been classified as a Variant of Uncertain Significance.

Blueprint Genetics
Classification: Uncertain significance. Last evaluated: 2020-01-10. Review status: criteria provided, single submitter. Criteria: ACMG Guidelines, 2015. Collection method: clinical testing. Allele origin: germline.

Literature cited by the submitters: PubMed 32483926 (cited by Labcorp Genetics (formerly Invitae), Labcorp).